The following is an entry in ClinVar:

ClinVar aggregate classification (germline): Likely pathogenic (1 of 4 stars; one submission).

Conditions:
Deficiency of malonyl-CoA decarboxylase. Also called: Malonic aciduria; MCD deficiency. Identifiers: Orphanet 943, MedGen C0342793, MONDO:0009556, OMIM 248360.

Submission:

Labcorp Genetics (formerly Invitae), Labcorp
Classification: Likely pathogenic for Deficiency of malonyl-CoA decarboxylase. Last evaluated: 2023-08-02. Review status: criteria provided, single submitter. Criteria: Invitae Variant Classification Sherloc (09022015). Collection method: clinical testing. Allele origin: germline.
Comment: This variant is not present in population databases (gnomAD no frequency). This variant has not been reported in the literature in individuals affected with MLYCD-related conditions. Algorithms developed to predict the effect of sequence changes on RNA splicing suggest that this variant may disrupt the consensus splice site. In summary, the currently available evidence indicates that the variant is pathogenic, but additional data are needed to prove that conclusively. Therefore, this variant has been classified as Likely Pathogenic. This sequence change affects an acceptor splice site in intron 1 of the MLYCD gene. It is expected to disrupt RNA splicing. Variants that disrupt the donor or acceptor splice site typically lead to a loss of protein function (PMID: 16199547), and loss-of-function variants in MLYCD are known to be pathogenic (PMID: 12955715, 17186413).

Literature cited by the submitters: PubMed 16199547; PubMed 12955715; PubMed 17186413.

NM_012213.3(MLYCD):c.529-1G>C

Gene: MLYCD (malonyl-CoA decarboxylase; plus strand). Cytogenetic location: 16q23.3.
Variant type: single nucleotide variant.
Coding change: c.529-1G>C on transcript NM_012213.3 (MANE Select); the canonical splice acceptor site of the intron before coding-DNA position 529, G replaced by C.
Molecular consequence: splice acceptor variant.
Genome position (GRCh38, 1-based): chr16:83,906,986, G>C. VCF-style: chr16-83906986-G-C. GRCh37 (hg19) VCF-style: chr16-83940591-G-C.
Identifiers: ClinVar variation 2749392 (VCV002749392.3), dbSNP rs2507380620, ClinGen allele CA396918511.